The following is an entry in ClinVar:

NM_031889.3(ENAM):c.233T>C (p.Phe78Ser)

Gene: ENAM (enamelin; plus strand). Cytogenetic location: 4q13.3.
Variant type: single nucleotide variant.
Coding change: c.233T>C on transcript NM_031889.3 (MANE Select); coding-DNA position 233, T replaced by C.
Protein change: p.Phe78Ser; replaces phenylalanine 78 with serine.
Molecular consequence: missense variant.
Genome position (GRCh38, 1-based): chr4:70,634,330, T>C. VCF-style: chr4-70634330-T-C. GRCh37 (hg19) VCF-style: chr4-71500047-T-C.
Other names: short protein forms F78S.
Identifiers: ClinVar variation 906526 (VCV000906526.5), dbSNP rs202231676, ClinGen allele CA2951830.

ClinVar aggregate classification (germline): Uncertain significance. Review status: criteria provided, multiple submitters, no conflicts (2 of 4 stars). 2 submissions from 2 submitters: Uncertain significance (2). Last evaluated 2025-12-10.

Conditions:
ENAM-related disorder. Also called: ENAM-related condition.
Amelogenesis imperfecta (AI). Also called: Congenital enamel hypoplasia. Identifiers: Orphanet 88661, MedGen C0002452, MONDO:0019507, HP:0000705.

Allele frequency attached by ClinVar (database versions not stated): ExAC 0.00008; gnomAD exomes 0.00012 and 0.00051; ESP Exome Variant Server 0.00015; gnomAD 0.00016; TOPMed 0.00019.

Submissions (2):

PreventionGenetics, part of Exact Sciences
Classification: Uncertain significance for ENAM-related condition. Last evaluated: 2025-12-10. Review status: criteria provided, single submitter. Criteria: ACMG Guidelines, 2015. Collection method: clinical testing. Allele origin: germline.
Comment: The ENAM c.233T>C variant is predicted to result in the amino acid substitution p.Phe78Ser. To our knowledge, this variant has not been reported in the literature. This variant is reported in 0.023% of alleles in individuals of European (Non-Finnish) descent in gnomAD. At this time, the clinical significance of this variant is uncertain due to the absence of conclusive functional and genetic evidence.

Illumina Laboratory Services, Illumina
Classification: Uncertain significance for Amelogenesis imperfecta. Last evaluated: 2018-01-12. Review status: criteria provided, single submitter. Criteria: ICSL Variant Classification Criteria 13 December 2019. Collection method: clinical testing. Allele origin: germline.